The following is an entry in ClinVar:

NM_005984.5(SLC25A1):c.652A>G (p.Met218Val)

Gene: SLC25A1 (solute carrier family 25 member 1; minus strand). Cytogenetic location: 22q11.21.
Variant type: single nucleotide variant.
Coding change: c.652A>G on transcript NM_005984.5 (MANE Select); coding-DNA position 652, A replaced by G.
Protein change: p.Met218Val; replaces methionine 218 with valine.
Molecular consequence: missense variant. On other transcripts: non-coding transcript variant (1).
Genome position (GRCh38, 1-based): chr22:19,176,673, T>C on the plus strand (A>G on the coding strand, the complement: SLC25A1 is on the minus strand). VCF-style: chr22-19176673-T-C. GRCh37 (hg19) VCF-style: chr22-19164186-T-C.
Other names: c.673A>G, p.Met225Val (NM_001256534.2); c.343A>G, p.Met115Val (NM_001287387.2); short protein forms M218V, M225V, M115V.
Identifiers: ClinVar variation 2151752 (VCV002151752.4), dbSNP rs200804991, ClinGen allele CA10097344.

ClinVar aggregate classification (germline): Uncertain significance (1 of 4 stars; one submission).

Allele frequency attached by ClinVar (database versions not stated): gnomAD 0.00001; gnomAD exomes 0.00001; ExAC 0.00002; TOPMed 0.00002.
gnomAD v4.1: 6 of 1,613,806 alleles (0.00037%); highest among the groups gnomAD compares: Admixed American, 0.005%; no homozygotes.

Submission:

Labcorp Genetics (formerly Invitae), Labcorp
Classification: Uncertain significance. Last evaluated: 2024-12-09. Review status: criteria provided, single submitter. Criteria: Invitae Variant Classification Sherloc (09022015). Collection method: clinical testing. Allele origin: germline.
Comment: This sequence change replaces methionine, which is neutral and non-polar, with valine, which is neutral and non-polar, at codon 218 of the SLC25A1 protein (p.Met218Val). This variant is present in population databases (rs200804991, gnomAD 0.003%). This variant has not been reported in the literature in individuals affected with SLC25A1-related conditions. ClinVar contains an entry for this variant (Variation ID: 2151752). Invitae Evidence Modeling of protein sequence and biophysical properties (such as structural, functional, and spatial information, amino acid conservation, physicochemical variation, residue mobility, and thermodynamic stability) indicates that this missense variant is not expected to disrupt SLC25A1 protein function with a negative predictive value of 80%. In summary, the available evidence is currently insufficient to determine the role of this variant in disease. Therefore, it has been classified as a Variant of Uncertain Significance.